The following is an entry in ClinVar:

ClinVar aggregate classification (germline): Likely benign (0 of 4 stars; one submission).

Conditions:
IL1A-related disorder. Also called: IL1A-related condition.

Allele frequency attached by ClinVar (database versions not stated): TOPMed 0.00008; gnomAD 0.00033; gnomAD exomes 0.00049; ExAC 0.00119; 1000 Genomes Project 0.00240; 1000 Genomes Project 30x 0.00312.
gnomAD v4.1: 777 of 1,614,168 alleles (0.048%); highest among the groups gnomAD compares: South Asian, 0.74%; 11 homozygotes.

Submission:

PreventionGenetics, part of Exact Sciences
Classification: Likely benign for IL1A-related condition. Last evaluated: 2022-09-20. Review status: no assertion criteria provided. Collection method: clinical testing. Allele origin: germline.
Comment: This variant is classified as likely benign based on ACMG/AMP sequence variant interpretation guidelines (Richards et al. 2015 PMID: 25741868, with internal and published modifications).

NM_000575.5(IL1A):c.142A>G (p.Met48Val)

Gene: IL1A (interleukin 1 alpha; minus strand). Cytogenetic location: 2q14.1.
Variant type: single nucleotide variant.
Coding change: c.142A>G on transcript NM_000575.5 (MANE Select); coding-DNA position 142, A replaced by G.
Protein change: p.Met48Val; replaces methionine 48 with valine.
Molecular consequence: missense variant.
Genome position (GRCh38, 1-based): chr2:112,781,781, T>C on the plus strand (A>G on the coding strand, the complement: IL1A is on the minus strand). VCF-style: chr2-112781781-T-C. GRCh37 (hg19) VCF-style: chr2-113539358-T-C.
Other names: c.142A>G, p.Met48Val (NM_001371554.1); short protein forms M48V.
Identifiers: ClinVar variation 3041311 (VCV003041311.2), dbSNP rs369264124, ClinGen allele CA1837147.
Genomic context (GRCh38, chr2:112,781,781, plus strand): 5'-TGAAGGTAAGCTTGGATGTTTTAGAGGTTTCAGAGATACTCAGAGACACAGATTGATCCA[T>C]GCAGCCTTCATGGAGTGGGCCATAGCTTACATGATAGAAGGATTTCTGTGAGGAAGGAAA-3'
Protein context (NP_000566.3, residues 38-58): VSYGPLHEGC[Met48Val]DQSVSLSISE